The following is an entry in ClinVar:

NM_004447.6(EPS8):c.1048C>T (p.Gln350Ter)

Gene: EPS8 (EGFR pathway substrate 8, signaling adaptor; minus strand). Cytogenetic location: 12p12.3.
Variant type: single nucleotide variant.
Coding change: c.1048C>T on transcript NM_004447.6 (MANE Select); coding-DNA position 1048, C replaced by T.
Protein change: p.Gln350Ter; replaces glutamine 350 with a stop codon.
Molecular consequence: nonsense. On other transcripts: non-coding transcript variant (3).
Genome position (GRCh38, 1-based): chr12:15,658,132, G>A on the plus strand (C>T on the coding strand, the complement: EPS8 is on the minus strand). VCF-style: chr12-15658132-G-A. GRCh37 (hg19) VCF-style: chr12-15811066-G-A.
Other names: c.1048C>T, p.Gln350Ter (NM_001413831.1, NM_001413832.1, NM_001413833.1 and 2 more transcripts); c.808C>T, p.Gln270Ter (NM_001413835.1, NM_001413836.1); c.631C>T, p.Gln211Ter (NM_001413837.1); c.268C>T, p.Gln90Ter (NM_001413838.1); short protein forms Q211*, Q270*, Q350*, Q90*.
Identifiers: ClinVar variation 3601073 (VCV003601073.1).

ClinVar aggregate classification (germline): Pathogenic (1 of 4 stars; one submission).

Conditions:
Autosomal recessive nonsyndromic hearing loss 102. Also called: Deafness, autosomal recessive 102. Identifiers: Orphanet 90636, MedGen C3892050, MONDO:0014428, OMIM 615974.

Submission:

Institute of Rare Diseases, West China Hospital, Sichuan University
Classification: Pathogenic for Autosomal recessive nonsyndromic hearing loss 102. Last evaluated: 2025-01-09. Review status: criteria provided, single submitter. Criteria: ClinGen HL ACMG Specifications v1. Collection method: research. Allele origin: germline. Affected: yes.
Comment: PVS1;PM3_Supporting;PM2_Supporting